The following is an entry in ClinVar:

NM_030665.4(RAI1):c.5143AAG[1] (p.Lys1716del)

Gene: RAI1 (retinoic acid induced 1; plus strand). Cytogenetic location: 17p11.2.
Variant type: Microsatellite.
Coding change: c.5143AAG[1] on transcript NM_030665.4 (MANE Select); one copy of the 3-base unit AAG starting at c.5143; the reference has two copies in a row; one copy, 3 bases deleted.
Protein change: p.Lys1716del; deletes lysine 1716.
Molecular consequence: inframe deletion.
Genome position (GRCh38, 1-based): chr17:17,798,094-17,798,096, AAG deleted; deleting any 3 consecutive bases within chr17:17,798,091-17,798,096 gives the same sequence; the position shown is the placement nearest the transcript's 3' end. VCF-style (leftmost placement, unchanged base first): chr17-17798090-AAAG-A. GRCh37 (hg19) VCF-style: chr17-17701404-AAAG-A.
Other names: short protein forms K1716del.
Identifiers: ClinVar variation 4997142 (VCV004997142.1).
Genomic context (GRCh38, chr17:17,798,090, plus strand): 5'-CAACTTCAAGGACCTTGGGGACCTCTGTGGGCCCTACTACCCTGAACACTGCCTCCCCAA[AAAG>A]AAGCCAAAACTCAAGGAGAAGGTGCGGCCAGAAGGCACCTGTGAGGAGGCCTCGCTGCCG-3'

ClinVar aggregate classification (germline): Uncertain significance (1 of 4 stars; one submission).

Conditions:
RAI1-related disorder. Also called: RAI1-related condition.

Submission:

PreventionGenetics, part of Exact Sciences
Classification: Uncertain significance for RAI1-related condition. Last evaluated: 2025-06-13. Review status: criteria provided, single submitter. Criteria: ACMG Guidelines, 2015. Collection method: clinical testing. Allele origin: germline.
Comment: The RAI1 c.5146_5148delAAG variant is predicted to result in an in-frame deletion (p.Lys1716del). To our knowledge, this variant has not been reported in the literature or in a large population database (gnomAD), indicating this variant is rare. At this time, the clinical significance of this variant is uncertain due to the absence of conclusive functional and genetic evidence.